The following is an entry in ClinVar:

NM_003803.4(MYOM1):c.4369A>C (p.Lys1457Gln)

Gene: MYOM1 (myomesin 1; minus strand). Cytogenetic location: 18p11.31.
Variant type: single nucleotide variant.
Coding change: c.4369A>C on transcript NM_003803.4 (MANE Select); coding-DNA position 4369, A replaced by C.
Protein change: p.Lys1457Gln; replaces lysine 1457 with glutamine.
Molecular consequence: missense variant.
Genome position (GRCh38, 1-based): chr18:3,083,998, T>G on the plus strand (A>C on the coding strand, the complement: MYOM1 is on the minus strand). VCF-style: chr18-3083998-T-G. GRCh37 (hg19) VCF-style: chr18-3083996-T-G.
Other names: c.4081A>C, p.Lys1361Gln (NM_019856.2); short protein forms K1361Q, K1457Q.
Identifiers: ClinVar variation 661920 (VCV000661920.8), dbSNP rs772608447, ClinGen allele CA8873969.

ClinVar aggregate classification (germline): Uncertain significance (1 of 4 stars; one submission).

Conditions:
Hypertrophic cardiomyopathy. Also called: HYPERTROPHIC MYOCARDIOPATHY. Identifiers: Orphanet 217569, MedGen C0007194, MeSH D002312, MONDO:0005045, HP:0001639.

Allele frequency attached by ClinVar (database versions not stated): gnomAD exomes below 0.00001 and 0.00001; ExAC 0.00002.
gnomAD v4.1: 7 of 1,588,108 alleles (0.00044%); highest among the groups gnomAD compares: Non-Finnish European, 0.00051%; no homozygotes.

Submission:

Labcorp Genetics (formerly Invitae), Labcorp
Classification: Uncertain significance for Hypertrophic cardiomyopathy. Last evaluated: 2020-03-10. Review status: criteria provided, single submitter. Criteria: Invitae Variant Classification Sherloc (09022015). Collection method: clinical testing. Allele origin: germline.
Comment: In summary, the available evidence is currently insufficient to determine the role of this variant in disease. Therefore, it has been classified as a Variant of Uncertain Significance. Algorithms developed to predict the effect of missense changes on protein structure and function (SIFT, PolyPhen-2, Align-GVGD) all suggest that this variant is likely to be tolerated, but these predictions have not been confirmed by published functional studies and their clinical significance is uncertain. This variant has not been reported in the literature in individuals with MYOM1-related disease. This variant is present in population databases (rs772608447, ExAC 0.005%). This sequence change replaces lysine with glutamine at codon 1457 of the MYOM1 protein (p.Lys1457Gln). The lysine residue is weakly conserved and there is a small physicochemical difference between lysine and glutamine.